The following is an entry in ClinVar:

NM_002772.3(TMPRSS15):c.302A>G (p.Asn101Ser)

Gene: TMPRSS15 (transmembrane serine protease 15; minus strand). Cytogenetic location: 21q21.1.
Variant type: single nucleotide variant.
Coding change: c.302A>G on transcript NM_002772.3 (MANE Select); coding-DNA position 302, A replaced by G.
Protein change: p.Asn101Ser; replaces asparagine 101 with serine.
Molecular consequence: missense variant.
Genome position (GRCh38, 1-based): chr21:18,397,921, T>C on the plus strand (A>G on the coding strand, the complement: TMPRSS15 is on the minus strand). VCF-style: chr21-18397921-T-C. GRCh37 (hg19) VCF-style: chr21-19770238-T-C.
Other names: short protein forms N101S.
Identifiers: ClinVar variation 2857282 (VCV002857282.3), dbSNP rs2516851715, ClinGen allele CA409853339.

ClinVar aggregate classification (germline): Uncertain significance (1 of 4 stars; one submission).

Submission:

Labcorp Genetics (formerly Invitae), Labcorp
Classification: Uncertain significance. Last evaluated: 2023-04-18. Review status: criteria provided, single submitter. Criteria: Invitae Variant Classification Sherloc (09022015). Collection method: clinical testing. Allele origin: germline.
Comment: This sequence change replaces asparagine, which is neutral and polar, with serine, which is neutral and polar, at codon 101 of the TMPRSS15 protein (p.Asn101Ser). This variant is not present in population databases (gnomAD no frequency). This variant has not been reported in the literature in individuals affected with TMPRSS15-related conditions. Algorithms developed to predict the effect of missense changes on protein structure and function output the following: SIFT: "Not Available"; PolyPhen-2: "Benign"; Align-GVGD: "Not Available". The serine amino acid residue is found in multiple mammalian species, which suggests that this missense change does not adversely affect protein function. In summary, the available evidence is currently insufficient to determine the role of this variant in disease. Therefore, it has been classified as a Variant of Uncertain Significance.